The following is an entry in ClinVar:

ClinVar aggregate classification (germline): Pathogenic (1 of 4 stars; one submission).

Conditions:
Werner syndrome (WRN). Identifiers: Orphanet 902, MedGen C0043119, MONDO:0010196, OMIM 277700.

Submission:

Labcorp Genetics (formerly Invitae), Labcorp
Classification: Pathogenic for Werner syndrome. Last evaluated: 2023-01-06. Review status: criteria provided, single submitter. Criteria: Invitae Variant Classification Sherloc (09022015). Collection method: clinical testing. Allele origin: germline.
Comment: For these reasons, this variant has been classified as Pathogenic. ClinVar contains an entry for this variant (Variation ID: 1076329). This variant has not been reported in the literature in individuals affected with WRN-related conditions. This variant is not present in population databases (gnomAD no frequency). This sequence change creates a premature translational stop signal (p.Tyr640*) in the WRN gene. It is expected to result in an absent or disrupted protein product. Loss-of-function variants in WRN are known to be pathogenic (PMID: 16673358).

Literature cited by the submitters: PubMed 16673358.

NM_000553.6(WRN):c.1920C>G (p.Tyr640Ter)

Gene: WRN (WRN RecQ like helicase; plus strand). Cytogenetic location: 8p12.
Variant type: single nucleotide variant.
Coding change: c.1920C>G on transcript NM_000553.6 (MANE Select); coding-DNA position 1920, C replaced by G.
Protein change: p.Tyr640Ter; replaces tyrosine 640 with a stop codon.
Molecular consequence: nonsense.
Genome position (GRCh38, 1-based): chr8:31,096,789, C>G. VCF-style: chr8-31096789-C-G. GRCh37 (hg19) VCF-style: chr8-30954305-C-G.
Other names: short protein forms Y640*.
Identifiers: ClinVar variation 1076329 (VCV001076329.5), dbSNP rs765756226, ClinGen allele CA370929649.